The following is an entry in ClinVar:

ClinVar aggregate classification (germline): Uncertain significance (1 of 4 stars; one submission).

Allele frequency attached by ClinVar (database versions not stated): gnomAD 0.00001; TOPMed 0.00001.

Submission:

Labcorp Genetics (formerly Invitae), Labcorp
Classification: Uncertain significance. Last evaluated: 2021-09-17. Review status: criteria provided, single submitter. Criteria: Invitae Variant Classification Sherloc (09022015). Collection method: clinical testing. Allele origin: germline.
Comment: This sequence change falls in intron 2 of the CAD gene. It does not directly change the encoded amino acid sequence of the CAD protein. It affects a nucleotide within the consensus splice site of the intron. This variant is not present in population databases (ExAC no frequency). This variant has not been reported in the literature in individuals affected with CAD-related conditions. Variants that disrupt the consensus splice site are a relatively common cause of aberrant splicing (PMID: 17576681, 9536098). Algorithms developed to predict the effect of sequence changes on RNA splicing suggest that this variant is not likely to affect RNA splicing. In summary, the available evidence is currently insufficient to determine the role of this variant in disease. Therefore, it has been classified as a Variant of Uncertain Significance.

Literature cited by the submitters: PubMed 17576681; PubMed 9536098.

NM_004341.5(CAD):c.223-3C>T

Gene: CAD (carbamoyl-phosphate synthetase 2, aspartate transcarbamylase, and dihydroorotase; plus strand). Cytogenetic location: 2p23.3.
Variant type: single nucleotide variant.
Coding change: c.223-3C>T on transcript NM_004341.5 (MANE Select); 3 bases into the intron before coding-DNA position 223, C replaced by T.
Molecular consequence: intron variant.
Genome position (GRCh38, 1-based): chr2:27,221,215, C>T. VCF-style: chr2-27221215-C-T. GRCh37 (hg19) VCF-style: chr2-27444083-C-T.
Other names: c.223-3C>T (NM_001306079.2).
Identifiers: ClinVar variation 1519660 (VCV001519660.3), dbSNP rs920112453, ClinGen allele CA44490932.